The following is an entry in ClinVar:

ClinVar aggregate classification (germline): Uncertain significance. Review status: criteria provided, multiple submitters, no conflicts (2 of 4 stars). 2 submissions from 2 submitters: Uncertain significance (2). Last evaluated 2025-05-12.

Conditions:
Cystic fibrosis (CF). Also called: MUCOVISCIDOSIS. Identifiers: Orphanet 586, MedGen C0010674, MONDO:0009061, OMIM 219700. Disease mechanism: loss of function.

gnomAD v4.1: 1 of 1,603,208 alleles (0.000062%); highest among the groups gnomAD compares: Non-Finnish European, 0.000085%; no homozygotes.

Submissions (2):

Ambry Genetics
Classification: Uncertain significance for Cystic fibrosis. Last evaluated: 2025-05-12. Review status: criteria provided, single submitter. Criteria: Ambry Variant Classification Scheme 2023. Collection method: clinical testing. Allele origin: germline.
Comment: The p.P574L variant (also known as c.1721C>T), located in coding exon 13 of the CFTR gene, results from a C to T substitution at nucleotide position 1721. The proline at codon 574 is replaced by leucine, an amino acid with similar properties. This amino acid position is highly conserved in available vertebrate species. In addition, this alteration is predicted to be deleterious by in silico analysis. Based on the available evidence, the clinical significance of this variant remains unclear.

Blueprint Genetics
Classification: Uncertain significance. Last evaluated: 2017-09-05. Review status: criteria provided, single submitter. Criteria: ACMG Guidelines, 2015. Collection method: clinical testing. Allele origin: germline.

NM_000492.4(CFTR):c.1721C>T (p.Pro574Leu)

Gene: CFTR (CF transmembrane conductance regulator; plus strand). Cytogenetic location: 7q31.2.
Variant type: single nucleotide variant.
Coding change: c.1721C>T on transcript NM_000492.4 (MANE Select); coding-DNA position 1721, C replaced by T.
Protein change: p.Pro574Leu; replaces proline 574 with leucine.
Molecular consequence: missense variant.
Genome position (GRCh38, 1-based): chr7:117,590,394, C>T. VCF-style: chr7-117590394-C-T. GRCh37 (hg19) VCF-style: chr7-117230448-C-T.
Other names: short protein forms P574L.
Identifiers: ClinVar variation 4001817 (VCV004001817.2).